The following is an entry in ClinVar:

NM_000256.3(MYBPC3):c.3590C>G (p.Thr1197Ser)

Gene: MYBPC3 (myosin binding protein C3; minus strand). Cytogenetic location: 11p11.2.
Variant type: single nucleotide variant.
Coding change: c.3590C>G on transcript NM_000256.3 (MANE Select); coding-DNA position 3590, C replaced by G.
Protein change: p.Thr1197Ser; replaces threonine 1197 with serine.
Molecular consequence: missense variant.
Genome position (GRCh38, 1-based): chr11:47,332,603, G>C on the plus strand (C>G on the coding strand, the complement: MYBPC3 is on the minus strand). VCF-style: chr11-47332603-G-C. GRCh37 (hg19) VCF-style: chr11-47354154-G-C.
Other names: short protein forms T1197S.
Identifiers: ClinVar variation 2963490 (VCV002963490.1), dbSNP rs1479309149, ClinGen allele CA380312427.

ClinVar aggregate classification (germline): Uncertain significance (1 of 4 stars; one submission).

Conditions:
Hypertrophic cardiomyopathy. Also called: HYPERTROPHIC MYOCARDIOPATHY. Identifiers: Orphanet 217569, MedGen C0007194, MeSH D002312, MONDO:0005045, HP:0001639.

Allele frequency attached by ClinVar (database versions not stated): TOPMed 0.00001; gnomAD 0.00001.
gnomAD v4.1: 1 of 1,613,804 alleles (0.000062%); highest among the groups gnomAD compares: Admixed American, 0.0017%; no homozygotes.

Submission:

Labcorp Genetics (formerly Invitae), Labcorp
Classification: Uncertain significance for Hypertrophic cardiomyopathy. Last evaluated: 2023-08-19. Review status: criteria provided, single submitter. Criteria: Invitae Variant Classification Sherloc (09022015). Collection method: clinical testing. Allele origin: germline.
Comment: This sequence change replaces threonine, which is neutral and polar, with serine, which is neutral and polar, at codon 1197 of the MYBPC3 protein (p.Thr1197Ser). This variant is not present in population databases (gnomAD no frequency). This variant has not been reported in the literature in individuals affected with MYBPC3-related conditions. An algorithm developed to predict the effect of missense changes on protein structure and function (PolyPhen-2) suggests that this variant¬†is likely to be tolerated. In summary, the available evidence is currently insufficient to determine the role of this variant in disease. Therefore, it has been classified as a Variant of Uncertain Significance.